The following is an entry in ClinVar:

ClinVar aggregate classification (germline): Uncertain significance (1 of 4 stars; one submission).

Conditions:
Gastrointestinal stromal tumor. Also called: Gastrointestinal stromal tumor, somatic; Gastrointestinal stroma tumor. Identifiers: Orphanet 44890, MedGen C0238198, MeSH D046152, MONDO:0011719, OMIM 606764, HP:0100723.
Pheochromocytoma/paraganglioma syndrome 3. Also called: GLOMUS TUMORS, FAMILIAL, 3; Paragangliomas 3; SDHC-Related Hereditary Paraganglioma-Pheochromocytoma Syndrome (Paragangliomas 3); SDHC-Related Hereditary Paraganglioma-Pheochromocytoma Syndrome. Identifiers: Orphanet 29072, MedGen C1854336, MONDO:0011544, OMIM 605373.

Submission:

Labcorp Genetics (formerly Invitae), Labcorp
Classification: Uncertain significance for Pheochromocytoma/paraganglioma syndrome 3; Gastrointestinal stromal tumor. Last evaluated: 2024-02-14. Review status: criteria provided, single submitter. Criteria: Invitae Variant Classification Sherloc (09022015). Collection method: clinical testing. Allele origin: germline.
Comment: This sequence change replaces serine, which is neutral and polar, with alanine, which is neutral and non-polar, at codon 62 of the SDHC protein (p.Ser62Ala). This variant is not present in population databases (gnomAD no frequency). This variant has not been reported in the literature in individuals affected with SDHC-related conditions. Advanced modeling of protein sequence and biophysical properties (such as structural, functional, and spatial information, amino acid conservation, physicochemical variation, residue mobility, and thermodynamic stability) performed at Invitae indicates that this missense variant is expected to disrupt SDHC protein function with a positive predictive value of 95%. In summary, the available evidence is currently insufficient to determine the role of this variant in disease. Therefore, it has been classified as a Variant of Uncertain Significance.

NM_003001.5(SDHC):c.184T>G (p.Ser62Ala)

Gene: SDHC (succinate dehydrogenase complex subunit C; plus strand). Cytogenetic location: 1q23.3.
Variant type: single nucleotide variant.
Coding change: c.184T>G on transcript NM_003001.5 (MANE Select); coding-DNA position 184, T replaced by G.
Protein change: p.Ser62Ala; replaces serine 62 with alanine.
Molecular consequence: missense variant. On other transcripts: non-coding transcript variant (1).
Genome position (GRCh38, 1-based): chr1:161,340,598, T>G. VCF-style: chr1-161340598-T-G. GRCh37 (hg19) VCF-style: chr1-161310388-T-G.
Other names: c.184T>G, p.Ser62Ala (NM_001035511.3); c.82T>G, p.Ser28Ala (NM_001035512.3, NM_001278172.3, NM_001407118.1); c.25T>G, p.Ser9Ala (NM_001035513.3); c.304T>G, p.Ser102Ala (NM_001407115.1); c.127T>G, p.Ser43Ala (NM_001407116.1, NM_001407117.1, NM_001407121.1); c.73T>G, p.Ser25Ala (NM_001407119.1, NM_001407120.1); short protein forms S102A, S25A, S28A, S43A, S62A, S9A.
Identifiers: ClinVar variation 3754629 (VCV003754629.2).